The following is an entry in ClinVar:

NM_003995.4(NPR2):c.1030T>C (p.Tyr344His)

Gene: NPR2 (natriuretic peptide receptor 2; plus strand). Cytogenetic location: 9p13.3.
Variant type: single nucleotide variant.
Coding change: c.1030T>C on transcript NM_003995.4 (MANE Select); coding-DNA position 1030, T replaced by C.
Protein change: p.Tyr344His; replaces tyrosine 344 with histidine.
Molecular consequence: missense variant.
Genome position (GRCh38, 1-based): chr9:35,800,064, T>C. VCF-style: chr9-35800064-T-C. GRCh37 (hg19) VCF-style: chr9-35800061-T-C.
Other names: c.1030T>C, p.Tyr344His (NM_001378923.1); short protein forms Y344H.
Identifiers: ClinVar variation 3371806 (VCV003371806.1).

ClinVar aggregate classification (germline): Uncertain significance (1 of 4 stars; one submission).

gnomAD v4.1: 3 of 1,613,972 alleles (0.00019%); highest among the groups gnomAD compares: Non-Finnish European, 0.00017%; no homozygotes.

Submission:

GeneDx
Classification: Uncertain significance. Last evaluated: 2024-03-28. Review status: criteria provided, single submitter. Criteria: GeneDx Variant Classification Process June 2021. Collection method: clinical testing. Allele origin: germline. Affected: yes.
Comment: Not observed at significant frequency in large population cohorts (gnomAD); In silico analysis supports that this missense variant has a deleterious effect on protein structure/function; Has not been previously published as pathogenic or benign to our knowledge